The following is an entry in ClinVar:

ClinVar aggregate classification (germline): Likely benign. Review status: criteria provided, multiple submitters, no conflicts (2 of 4 stars). 5 submissions from 5 submitters: Likely benign (5). Last evaluated 2026-01-28.

Conditions:
Combined immunodeficiency due to STIM1 deficiency. Also called: STIM1 DEFICIENCY; IMMUNODEFICIENCY 10. Identifiers: Orphanet 169090, Orphanet 317430, MedGen C2748557, MONDO:0013008, OMIM 612783.
Myopathy with tubular aggregates (TAM). Also called: Tubular Aggregate Myopathy. Identifiers: Orphanet 2593, MedGen C0410207, MONDO:0008051.
Stormorken syndrome (STRMK). Also called: THROMBOCYTOPATHY, ASPLENIA, AND MIOSIS. Identifiers: Orphanet 3204, MedGen C1861451, MONDO:0008497, OMIM 185070.

Allele frequency attached by ClinVar (database versions not stated): TOPMed 0.00013; 1000 Genomes Project 30x 0.00016; 1000 Genomes Project 0.00020; ESP Exome Variant Server 0.00038.
gnomAD v4.1: 271 of 1,613,386 alleles (0.017%); highest among the groups gnomAD compares: East Asian, 0.056%; no homozygotes.

Submissions (5):

Labcorp Genetics (formerly Invitae), Labcorp
Classification: Likely benign for Myopathy with tubular aggregates; Combined immunodeficiency due to STIM1 deficiency; Stormorken syndrome. Last evaluated: 2026-01-28. Review status: criteria provided, single submitter. Criteria: Invitae Variant Classification Sherloc (09022015). Collection method: clinical testing. Allele origin: germline.

Women's Health and Genetics/Laboratory Corporation of America, LabCorp
Classification: Likely benign. Last evaluated: 2025-04-30. Review status: criteria provided, single submitter. Criteria: LabCorp Variant Classification Summary - May 2015. Collection method: clinical testing. Allele origin: germline.

CeGaT Center for Human Genetics Tuebingen
Classification: Likely benign. Last evaluated: 2025-04-01. Review status: criteria provided, single submitter. Criteria: CeGaT Center For Human Genetics Tuebingen Variant Classification Criteria Version 2. Collection method: clinical testing. Allele origin: germline. Affected: yes. Observed: 2 variant alleles.
Comment: STIM1: BP4

Laboratory of Genetics, Children's Clinical University Hospital Latvia
Classification: Likely benign. Last evaluated: 2025-02-16. Review status: criteria provided, single submitter. Criteria: ACMG Guidelines, 2015. Collection method: clinical testing. Allele origin: germline. Affected: yes.

Blueprint Genetics
Classification: Likely benign. Last evaluated: 2024-11-27. Review status: criteria provided, single submitter. Criteria: ACMG Guidelines, 2015. Collection method: clinical testing. Allele origin: germline.

NM_001382567.1(STIM1):c.792-4C>A

Gene: STIM1 (stromal interaction molecule 1; plus strand). Cytogenetic location: 11p15.4.
Variant type: single nucleotide variant.
Coding change: c.792-4C>A on transcript NM_001382567.1 (MANE Select); 4 bases into the intron before coding-DNA position 792, C replaced by A.
Molecular consequence: intron variant.
Genome position (GRCh38, 1-based): chr11:4,074,498, C>A. VCF-style: chr11-4074498-C-A. GRCh37 (hg19) VCF-style: chr11-4095728-C-A.
Other names: c.570-4C>A (NM_001382578.1, NM_001382575.1, NM_001382576.1 and 5 more transcripts); c.303-4C>A (NM_001382580.1, NM_001382581.1); c.792-4C>A (NM_001382568.1, NM_001277962.2, NM_003156.4 and 2 more transcripts); c.564-4C>A (NM_001382570.1); c.657-4C>A (NM_001382569.1); c.312-4C>A (NM_001382571.1).
Identifiers: ClinVar variation 703983 (VCV000703983.38), dbSNP rs200996329, ClinGen allele CA5830329.
Genomic context (GRCh38, chr11:4,074,498, plus strand): 5'-TCATGGCATGTTGGCTGGCACCCCCTTGCCTGGCCTCCTCCAGCTCCCTGCATTGCCCCC[C>A]CAGGCTGCACAAGGCCCAGGAGGAGCACCGCACAGTGGAGGTGGAGAAGGTCCATCTGGA-3'